The following is an entry in ClinVar:

NM_148919.4(PSMB8):c.144G>A (p.Met48Ile)

Gene: PSMB8 (proteasome 20S subunit beta 8; minus strand). Cytogenetic location: 6p21.32.
Variant type: single nucleotide variant.
Coding change: c.144G>A on transcript NM_148919.4 (MANE Select); coding-DNA position 144, G replaced by A.
Protein change: p.Met48Ile; replaces methionine 48 with isoleucine.
Molecular consequence: missense variant. On other transcripts: intron variant (1).
Genome position (GRCh38, 1-based): chr6:32,843,853, C>T on the plus strand (G>A on the coding strand, the complement: PSMB8 is on the minus strand). VCF-style: chr6-32843853-C-T. GRCh37 (hg19) VCF-style: chr6-32811630-C-T.
Other names: c.135+426G>A (NM_004159.5); short protein forms M48I.
Identifiers: ClinVar variation 1058353 (VCV001058353.9), dbSNP rs2127380153, ClinGen allele CA363589641.
Genomic context (GRCh38, chr6:32,843,853, plus strand): 5'-CTCCACTCCTCAGCGCCCGCCTCCCTGCATCCCTAGGGGCTTCCCTACTGCCCCGACCTG[C>T]ATTCCCCGGGGTAAAGCGAGCTCTGGAGATCGCATAGAGAAACTGTAGTGTCCTGGGTCC-3'
Protein context (NP_683720.2, residues 38-58): RSPELALPRG[Met48Ile]QPTEFFQSLG

ClinVar aggregate classification (germline): Uncertain significance (1 of 4 stars; one submission).

Conditions:
Proteosome-associated autoinflammatory syndrome. Also called: Proteasome-associated autoinflammatory syndrome. Identifiers: Orphanet 324977, MedGen C1850568, MONDO:0009726.

Submission:

Labcorp Genetics (formerly Invitae), Labcorp
Classification: Uncertain significance for Proteosome-associated autoinflammatory syndrome. Last evaluated: 2020-09-23. Review status: criteria provided, single submitter. Criteria: Invitae Variant Classification Sherloc (09022015). Collection method: clinical testing. Allele origin: germline.
Comment: This variant has not been reported in the literature in individuals with PSMB8-related conditions. In summary, the available evidence is currently insufficient to determine the role of this variant in disease. Therefore, it has been classified as a Variant of Uncertain Significance. Algorithms developed to predict the effect of missense changes on protein structure and function (SIFT, PolyPhen-2, Align-GVGD) all suggest that this variant is likely to be tolerated, but these predictions have not been confirmed by published functional studies and their clinical significance is uncertain. This variant is not present in population databases (ExAC no frequency). This sequence change replaces methionine with isoleucine at codon 48 of the PSMB8 protein (p.Met48Ile). The methionine residue is weakly conserved and there is a small physicochemical difference between methionine and isoleucine.